The following is an entry in ClinVar:

ClinVar aggregate classification (germline): Uncertain significance. Review status: criteria provided, multiple submitters, no conflicts (2 of 4 stars). 2 submissions from 2 submitters: Uncertain significance (2). Last evaluated 2023-10-06.

gnomAD v4.1: 4 of 1,613,734 alleles (0.00025%); highest among the groups gnomAD compares: Non-Finnish European, 0.00034%; no homozygotes.

Submissions (2):

Mayo Clinic Laboratories, Mayo Clinic
Classification: Uncertain significance. Last evaluated: 2023-10-06. Review status: criteria provided, single submitter. Criteria: ACMG Guidelines, 2015. Collection method: clinical testing. Allele origin: germline. Observed: 1 variant allele.
Comment: PP3, PP4, PM1_supporting, PM2_moderate, PM3_supporting

CeGaT Center for Human Genetics Tuebingen
Classification: Uncertain significance. Last evaluated: 2021-03-01. Review status: criteria provided, single submitter. Criteria: CeGaT Center For Human Genetics Tuebingen Variant Classification Criteria Version 2. Collection method: clinical testing. Allele origin: germline. Affected: yes. Observed: 1 variant allele.

Literature cited by the submitters: PubMed 33774748 (cited by Mayo Clinic Laboratories, Mayo Clinic).

NM_003119.4(SPG7):c.1781T>C (p.Val594Ala)

Gene: SPG7 (SPG7 matrix AAA peptidase subunit, paraplegin; plus strand). Cytogenetic location: 16q24.3.
Variant type: single nucleotide variant.
Coding change: c.1781T>C on transcript NM_003119.4 (MANE Select); coding-DNA position 1781, T replaced by C.
Protein change: p.Val594Ala; replaces valine 594 with alanine.
Molecular consequence: missense variant.
Genome position (GRCh38, 1-based): chr16:89,552,980, T>C. VCF-style: chr16-89552980-T-C. GRCh37 (hg19) VCF-style: chr16-89619388-T-C.
Other names: p.Val594Ala; c.1781T>C, p.Val594Ala (NM_001363850.1); short protein forms V594A.
Identifiers: ClinVar variation 1701301 (VCV001701301.32), dbSNP rs2152411842, ClinGen allele CA397432193.